The following is an entry in ClinVar:

ClinVar aggregate classification (germline): Uncertain significance (1 of 4 stars; one submission).

Conditions:
Cardiovascular phenotype. Identifiers: MedGen CN230736.

Submission:

Ambry Genetics
Classification: Uncertain significance for Cardiovascular phenotype. Last evaluated: 2026-05-03. Review status: criteria provided, single submitter. Criteria: Ambry Variant Classification Scheme 2023. Collection method: clinical testing. Allele origin: germline.
Comment: The p.F1655S variant (also known as c.4964T>C), located in coding exon 27 of the SCN10A gene, results from a T to C substitution at nucleotide position 4964. The phenylalanine at codon 1655 is replaced by serine, an amino acid with highly dissimilar properties. This amino acid position is conserved. In addition, this alteration is predicted to be deleterious by in silico analysis. Based on the available evidence, the clinical significance of this variant remains unclear.

NM_006514.4(SCN10A):c.4964T>C (p.Phe1655Ser)

Gene: SCN10A (sodium voltage-gated channel alpha subunit 10; minus strand). Cytogenetic location: 3p22.2.
Variant type: single nucleotide variant.
Coding change: c.4964T>C on transcript NM_006514.4 (MANE Select); coding-DNA position 4964, T replaced by C.
Protein change: p.Phe1655Ser; replaces phenylalanine 1655 with serine.
Molecular consequence: missense variant.
Genome position (GRCh38, 1-based): chr3:38,698,256, A>G on the plus strand (T>C on the coding strand, the complement: SCN10A is on the minus strand). VCF-style: chr3-38698256-A-G. GRCh37 (hg19) VCF-style: chr3-38739747-A-G.
Other names: c.4961T>C, p.Phe1654Ser (NM_001293306.2); c.4670T>C, p.Phe1557Ser (NM_001293307.2); short protein forms F1557S, F1654S, F1655S.
Identifiers: ClinVar variation 4864104 (VCV004864104.1).
Genomic context (GRCh38, chr3:38,698,256, plus strand): 5'-GGCCCTGTGTTGAGGATGGGGCTGAGGAGGCCATCCCAGCCGGCCGACGTGGTAATCTGG[A>G]AGAGGCACAGCATGCTGTTGGCGAAGGTCTGGAAGTTGAACATGTCGTCGATGCCAGCCT-3'
Protein context (NP_006505.4, residues 1645-1665): QTFANSMLCL[Phe1655Ser]QITTSAGWDG